The following is an entry in ClinVar:

ClinVar aggregate classification (germline): Uncertain significance (1 of 4 stars; one submission).

gnomAD v4.1: 1 of 1,195,303 alleles (0.000084%); highest among the groups gnomAD compares: Non-Finnish European, 0.00011%; no homozygotes.

Submission:

GeneDx
Classification: Uncertain significance. Last evaluated: 2026-04-15. Review status: criteria provided, single submitter. Criteria: GeneDx Variant Classification Process June 2021. Collection method: clinical testing. Allele origin: germline.
Comment: Not observed at significant frequency in large population cohorts (gnomAD); In silico analysis suggests that this missense variant does not alter protein structure/function; Has not been previously published as pathogenic or benign to our knowledge

NM_201599.3(ZMYM3):c.1216G>T (p.Ala406Ser)

Gene: ZMYM3 (zinc finger MYM-type containing 3; minus strand). Cytogenetic location: Xq13.1.
Variant type: single nucleotide variant.
Coding change: c.1216G>T on transcript NM_201599.3 (MANE Select); coding-DNA position 1216, G replaced by T.
Protein change: p.Ala406Ser; replaces alanine 406 with serine.
Molecular consequence: missense variant.
Genome position (GRCh38, 1-based): chrX:71,250,061, C>A on the plus strand (G>T on the coding strand, the complement: ZMYM3 is on the minus strand). VCF-style: chrX-71250061-C-A. GRCh37 (hg19) VCF-style: chrX-70469911-C-A.
Other names: c.1216G>T, p.Ala406Ser (NM_001171162.1, NM_001171163.1, NM_005096.3); short protein forms A406S.
Identifiers: ClinVar variation 5037261 (VCV005037261.1).